The following is an entry in ClinVar:

GRCh38/hg38 15q13.3(chr15:31772780-32150923)x3

Genes: CHRNA7 (cholinergic receptor nicotinic alpha 7 subunit), OTUD7A (OTU deubiquitinase 7A; minus strand), LOC125078053 (Sharpr-MPRA regulatory region 11410; plus strand), LOC129390681 (MPRA-validated peak2289 silencer), LOC130056727 (ATAC-STARR-seq lymphoblastoid silent region 6268; plus strand). Cytogenetic location: 15q13.3.
Variant type: copy number gain.
Change: copy number 3 (three copies instead of two) of chr15:31,772,780-32,150,923 (378.1 kb, GRCh38 coordinates, 1-based), cytogenetic band 15q13.3.
Identifiers: ClinVar variation 145331 (VCV000145331.2).

ClinVar aggregate classification (germline): Benign/Likely benign (0 of 4 stars; one submission).

Submission:

ISCA site 4
Classification: Benign/Likely benign. Last evaluated: 2012-09-21. Review status: no assertion criteria provided. Collection method: clinical testing. Allele origin: unknown. Affected: yes. Observed: 3 variant alleles. Clinical features observed: Apnea (HP:0002104), Abnormality of head and neck (HP:0000152), Autism (HP:0000717).
Comment: Likely benign (2), Benign (1)

Copy number variation identified through the course of routine clinical cytogenomic testing in postnatal populations, with clinical assertions as classified by the original submitter.